The following is an entry in ClinVar:

ClinVar aggregate classification (germline): Uncertain significance (1 of 4 stars; one submission).

Submission:

Labcorp Genetics (formerly Invitae), Labcorp
Classification: Uncertain significance. Last evaluated: 2025-11-17. Review status: criteria provided, single submitter. Criteria: Invitae Variant Classification Sherloc (09022015). Collection method: clinical testing. Allele origin: germline.
Comment: This sequence change replaces aspartic acid, which is acidic and polar, with valine, which is neutral and non-polar, at codon 583 of the CTNNB1 protein (p.Asp583Val). This variant is not present in population databases (gnomAD no frequency). This variant has not been reported in the literature in individuals affected with CTNNB1-related conditions. Invitae Evidence Modeling of protein sequence and biophysical properties (such as structural, functional, and spatial information, amino acid conservation, physicochemical variation, residue mobility, and thermodynamic stability) indicates that this missense variant is expected to disrupt CTNNB1 protein function with a positive predictive value of 80%. In summary, the available evidence is currently insufficient to determine the role of this variant in disease. Therefore, it has been classified as a Variant of Uncertain Significance.

NM_001904.4(CTNNB1):c.1748A>T (p.Asp583Val)

Gene: CTNNB1 (catenin beta 1; plus strand). Cytogenetic location: 3p22.1.
Variant type: single nucleotide variant.
Coding change: c.1748A>T on transcript NM_001904.4 (MANE Select); coding-DNA position 1748, A replaced by T.
Protein change: p.Asp583Val; replaces aspartic acid 583 with valine.
Molecular consequence: missense variant.
Genome position (GRCh38, 1-based): chr3:41,235,788, A>T. VCF-style: chr3-41235788-A-T. GRCh37 (hg19) VCF-style: chr3-41277279-A-T.
Other names: c.1748A>T, p.Asp583Val (NM_001098209.2, NM_001098210.2, NM_001438871.1 and 4 more transcripts); c.1727A>T, p.Asp576Val (NM_001330729.2); short protein forms D576V, D583V.
Identifiers: ClinVar variation 4778783 (VCV004778783.1).